The following is an entry in ClinVar:

ClinVar aggregate classification (germline): Conflicting classifications of pathogenicity. Review status: criteria provided, conflicting classifications (1 of 4 stars). 19 submissions from 17 submitters: Uncertain significance (1); Benign (15); Likely benign (3). Last evaluated 2026-09-01.

Conditions:
Cardiovascular phenotype. Identifiers: MedGen CN230736.
Arrhythmogenic right ventricular cardiomyopathy (ARVD). Also called: Arrhythmogenic Right Ventricular Cardiomyopathy (ARVC); Cardiomyopathy, ARVC; Arrhythmogenic right ventricular dysplasia; Arrhythmogenic cardiomyopathy. Identifiers: Orphanet 247, MedGen C0349788, MeSH D019571, MONDO:0016587. Disease mechanism: loss of function. Inheritance: Various modes of inheritance.
Cardiomyopathy (CMYO). Also called: Cardiomyopathies. Identifiers: Orphanet 167848, MedGen C0878544, MONDO:0004994, HP:0001638. Inheritance: Various modes of inheritance.
Arrhythmogenic cardiomyopathy with wooly hair and keratoderma. Also called: Carvajal syndrome; Dilated cardiomyopathy with woolly hair and keratoderma; Arrhythmogenic cardiomyopathy with woolly hair and keratoderma; PALMOPLANTAR KERATODERMA WITH LEFT VENTRICULAR CARDIOMYOPATHY AND WOOLLY HAIR. Identifiers: Orphanet 65282, MedGen C1854063, MONDO:0011581, OMIM 605676.
Arrhythmogenic right ventricular dysplasia 8 (ARVD8). Also called: Arrhythmogenic Right Ventricular Dysplasia/Cardiomyopathy 8; ARRHYTHMOGENIC RIGHT VENTRICULAR DYSPLASIA, FAMILIAL, 8; ARRHYTHMOGENIC RIGHT VENTRICULAR CARDIOMYOPATHY 8. Identifiers: MedGen C1843896, MONDO:0011831, OMIM 607450.
Woolly hair-skin fragility syndrome (WHSF). Identifiers: Orphanet 293165, MedGen C1843292, MONDO:0957307, OMIM 620415.
Lethal acantholytic epidermolysis bullosa (EBLA). Identifiers: Orphanet 158687, MedGen C1864826, MONDO:0012323, OMIM 609638.

Allele frequency attached by ClinVar (database versions not stated): ESP Exome Variant Server 0.00031; gnomAD 0.00105 and 0.00103; TOPMed 0.00162; ExAC 0.00172; gnomAD exomes 0.00208; 1000 Genomes Project 0.00180; 1000 Genomes Project 30x 0.00203.
gnomAD v4.1: 1,085 of 1,613,222 alleles (0.067%); highest among the groups gnomAD compares: Admixed American, 1.2%; 5 homozygotes.

Submissions (19):

CeGaT Center for Human Genetics Tuebingen
Classification: Likely benign. Last evaluated: 2026-09-01. Review status: criteria provided, single submitter. Criteria: CeGaT Center For Human Genetics Tuebingen Variant Classification Criteria Version 2. Collection method: clinical testing. Allele origin: germline. Affected: yes. Observed: 20 variant alleles.
Comment: DSP: BS1

Labcorp Genetics (formerly Invitae), Labcorp
Classification: Benign for Arrhythmogenic cardiomyopathy with wooly hair and keratoderma; Arrhythmogenic right ventricular dysplasia 8. Last evaluated: 2026-02-03. Review status: criteria provided, single submitter. Criteria: Invitae Variant Classification Sherloc (09022015). Collection method: clinical testing. Allele origin: germline.

ARUP Laboratories, Molecular Genetics and Genomics, ARUP Laboratories
Classification: Benign. Last evaluated: 2025-02-25. Review status: criteria provided, single submitter. Criteria: ARUP Molecular Germline Variant Investigation Process 2024. Collection method: clinical testing. Allele origin: germline.

Molecular Diagnostic Laboratory for Inherited Cardiovascular Disease, Montreal Heart Institute
Classification: Benign. Last evaluated: 2025-02-17. Review status: criteria provided, single submitter. Criteria: ACMG Guidelines, 2015. Collection method: clinical testing. Allele origin: germline. Affected: no.

Mayo Clinic Laboratories, Mayo Clinic
Classification: Benign. Last evaluated: 2025-01-08. Review status: criteria provided, single submitter. Criteria: ACMG Guidelines, 2015. Collection method: clinical testing. Allele origin: germline. Observed: 2 variant alleles.
Comment: BS1, BS2, BP4_moderate

Blueprint Genetics
Classification: Benign. Last evaluated: 2024-11-06. Review status: criteria provided, single submitter. Criteria: ACMG Guidelines, 2015. Collection method: clinical testing. Allele origin: germline.

All of Us Research Program, National Institutes of Health
Classification: Benign for Arrhythmogenic cardiomyopathy with wooly hair and keratoderma. Last evaluated: 2024-09-23. Review status: criteria provided, single submitter. Criteria: ACMG Guidelines, 2015. Collection method: clinical testing. Allele origin: germline. Inheritance: Autosomal dominant inheritance. Observed: 363 variant alleles, 362 heterozygotes, 1 homozygote.
Comment: This study involves interpretation of variants in research participants for the purpose of population health screening. Participant phenotype was not available at the time of variant classification. Additional details can be found in publication PMID: 35346344, PMCID: PMC8962531

CHEO Genetics Diagnostic Laboratory, Children's Hospital of Eastern Ontario
Classification: Benign for Cardiomyopathy. Last evaluated: 2022-07-21. Review status: criteria provided, single submitter. Criteria: ACMG Guidelines, 2015. Collection method: clinical testing. Allele origin: germline.

Color Diagnostics, LLC DBA Color Health
Classification: Benign for Cardiomyopathy. Last evaluated: 2018-10-20. Review status: criteria provided, single submitter. Criteria: ACMG Guidelines, 2015. Collection method: clinical testing. Allele origin: germline.

Eurofins Ntd Llc (ga)
Classification: Benign. Last evaluated: 2018-03-05. Review status: criteria provided, single submitter. Criteria: EGL ClinVar v180209 classification definitions. Collection method: clinical testing. Allele origin: germline. Observed: 1 variant allele, 1 heterozygote.

Illumina Laboratory Services, Illumina
Classification: Likely benign for Arrhythmogenic right ventricular dysplasia 8. Last evaluated: 2018-01-13. Review status: criteria provided, single submitter. Criteria: ICSL Variant Classification Criteria 13 December 2019. Collection method: clinical testing. Allele origin: germline.
Comment: This variant was observed in the ICSL laboratory as part of a predisposition screen in an ostensibly healthy population. It had not been previously curated by ICSL or reported in the Human Gene Mutation Database (HGMD: prior to June 1st, 2018), and was therefore a candidate for classification through an automated scoring system. Utilizing variant allele frequency, disease prevalence and penetrance estimates, and inheritance mode, an automated score was calculated to assess if this variant is too frequent to cause the disease. Based on the score and internal cut-off values, a variant classified as likely benign is not then subjected to further curation. The score for this variant resulted in a classification of likely benign for this disease.

Illumina Laboratory Services, Illumina
Classification: Benign for Arrhythmogenic cardiomyopathy with wooly hair and keratoderma. Last evaluated: 2018-01-13. Review status: criteria provided, single submitter. Criteria: ICSL Variant Classification Criteria 13 December 2019. Collection method: clinical testing. Allele origin: germline.
Comment: This variant was observed in the ICSL laboratory as part of a predisposition screen in an ostensibly healthy population. It had not been previously curated by ICSL or reported in the Human Gene Mutation Database (HGMD: prior to June 1st, 2018), and was therefore a candidate for classification through an automated scoring system. Utilizing variant allele frequency, disease prevalence and penetrance estimates, and inheritance mode, an automated score was calculated to assess if this variant is too frequent to cause the disease. Based on the score and internal cut-off values, a variant classified as benign is not then subjected to further curation. The score for this variant resulted in a classification of benign for this disease.

Illumina Laboratory Services, Illumina
Classification: Benign for Lethal acantholytic epidermolysis bullosa. Last evaluated: 2018-01-13. Review status: criteria provided, single submitter. Criteria: ICSL Variant Classification Criteria 13 December 2019. Collection method: clinical testing. Allele origin: germline.
Comment: the same text as in the submission from Illumina Laboratory Services, Illumina above.

Laboratory for Molecular Medicine, Mass General Brigham Personalized Medicine
Classification: Benign. Last evaluated: 2017-09-11. Review status: criteria provided, single submitter. Criteria: LMM Criteria. Collection method: clinical testing. Allele origin: germline. Observed: 6 variant alleles.
Comment: p.Met2819Leu in Exon 24 of DSP: This variant is not expected to have clinical si gnificance because it has been identified in 1.25% (428/34228) Latino chromosome s by the Genome Aggregation Database (gnomAD; dbSNP rs138329459).

Ambry Genetics
Classification: Benign for Cardiovascular phenotype. Last evaluated: 2017-03-27. Review status: criteria provided, single submitter. Criteria: Ambry Variant Classification Scheme 2023. Collection method: clinical testing. Allele origin: germline.

Women's Health and Genetics/Laboratory Corporation of America, LabCorp
Classification: Benign. Last evaluated: 2017-03-06. Review status: criteria provided, single submitter. Criteria: LabCorp Variant Classification Summary - May 2015. Collection method: clinical testing. Allele origin: germline.
Comment: Variant summary: The DSP c.8455A>C (p.Met2819Leu) variant involves the alteration of a non-conserved nucleotide. 4/4 in silico tools predict a benign outcome for this variant . This variant was found in 212/122592 control chromosomes (2 homozygotes), predominantly observed in the Latino subpopulation at a frequency of 0.014686 (170/11576). This frequency is about 1469 times the estimated maximal expected allele frequency of a pathogenic DSP variant (0.00001), strong evidence that this is likely a benign polymorphism found primarily in the populations of Latino origin. The variant has been reported in patients and controls in the literature, without strong evidence for causality, and in some cases classified as a polymorphism/neutral. In addition, multiple clinical diagnostic laboratories/reputable databases classified this variant as likely benign/benign. Taken together, this variant is classified as benign.

GeneDx
Classification: Benign. Last evaluated: 2017-02-06. Review status: criteria provided, single submitter. Criteria: GeneDx Variant Classification (06012015). Collection method: clinical testing. Allele origin: germline. Affected: yes.
Comment: This variant is considered likely benign or benign based on one or more of the following criteria: it is a conservative change, it occurs at a poorly conserved position in the protein, it is predicted to be benign by multiple in silico algorithms, and/or has population frequency not consistent with disease.

Genomic Diagnostic Laboratory, Division of Genomic Diagnostics, Children's Hospital of Philadelphia
Classification: Uncertain significance for Arrhythmogenic right ventricular cardiomyopathy. Last evaluated: 2015-05-05. Review status: criteria provided, single submitter. Criteria: DGD Variant Analysis Guidelines. Collection method: clinical testing. Allele origin: unknown.

Biesecker Lab/Clinical Genomics Section, National Institutes of Health
Classification: Likely benign. Last evaluated: 2013-06-24. Review status: criteria provided, single submitter. Criteria: Ng et al. (Circ Cardiovasc Genet. 2013). Collection method: research. Allele origin: unknown. Observed: 3 variant alleles. Study: ClinSeq.
Comment: The study set was not selected for affection status in relation to any cancer. Pathogenicity categories were based on literature curation. See Pubmed ID:23861362 for details.

Medical sequencing

Literature cited by the submitters: PubMed 21636032 (cited by Laboratory for Molecular Medicine, Mass General Brigham Personalized Medicine and Women's Health and Genetics/Laboratory Corporation of America, LabCorp); PubMed 23514727 (cited by Laboratory for Molecular Medicine, Mass General Brigham Personalized Medicine and Women's Health and Genetics/Laboratory Corporation of America, LabCorp); PubMed 26230511 (cited by Laboratory for Molecular Medicine, Mass General Brigham Personalized Medicine and Women's Health and Genetics/Laboratory Corporation of America, LabCorp); PubMed 24125834 (cited by Laboratory for Molecular Medicine, Mass General Brigham Personalized Medicine and Women's Health and Genetics/Laboratory Corporation of America, LabCorp); PubMed 27153395 (cited by Ambry Genetics).

NM_004415.4(DSP):c.8455A>C (p.Met2819Leu)

Gene: DSP (desmoplakin; plus strand). Cytogenetic location: 6p24.3.
Variant type: single nucleotide variant.
Coding change: c.8455A>C on transcript NM_004415.4 (MANE Select); coding-DNA position 8455, A replaced by C.
Protein change: p.Met2819Leu; replaces methionine 2819 with leucine.
Molecular consequence: missense variant.
Genome position (GRCh38, 1-based): chr6:7,585,717, A>C. VCF-style: chr6-7585717-A-C. GRCh37 (hg19) VCF-style: chr6-7585950-A-C.
Other names: c.6658A>C, p.Met2220Leu (NM_001008844.3); c.7126A>C, p.Met2376Leu (NM_001319034.2); c.8455A>C (NM_004415.3); short protein forms M2819L, M2220L, M2376L.
Identifiers: ClinVar variation 44968 (VCV000044968.55), dbSNP rs138329459, ClinGen allele CA007553.